The following is an entry in ClinVar:

ClinVar aggregate classification (germline): Conflicting classifications of pathogenicity. Review status: criteria provided, conflicting classifications (1 of 4 stars). 5 submissions from 5 submitters: Uncertain significance (2); Benign (1); Likely benign (1). 1 of the submissions does not count toward it. Last evaluated 2024-07-05.

Conditions:
RP1L1-related disorder. Also called: RP1L1-related condition.
Occult macular dystrophy (OCMD). Also called: OMD; OCCULT MACULAR DYSTROPHY, SUSCEPTIBILITY TO. Identifiers: Orphanet 247834, MedGen C3150833, MONDO:0013316, OMIM 613587, HP:0030636.

Allele frequency attached by ClinVar (database versions not stated): 1000 Genomes Project 0.00140; 1000 Genomes Project 30x 0.00156; gnomAD 0.00161 and 0.00172; ESP Exome Variant Server 0.00170; TOPMed 0.00170.
gnomAD v4.1: 480 of 1,613,556 alleles (0.03%); highest among the groups gnomAD compares: African/African-American, 0.55%; no homozygotes.

Submissions (5):

Blueprint Genetics
Classification: Likely benign. Last evaluated: 2024-07-05. Review status: criteria provided, single submitter. Criteria: ACMG Guidelines, 2015. Collection method: clinical testing. Allele origin: germline.

GeneDx
Classification: Uncertain significance. Last evaluated: 2021-08-11. Review status: criteria provided, single submitter. Criteria: GeneDx Variant Classification Process June 2021. Collection method: clinical testing. Allele origin: germline. Affected: yes.
Comment: In silico analysis supports that this missense variant does not alter protein structure/function; Has not been previously published as pathogenic or benign to our knowledge

Illumina Laboratory Services, Illumina
Classification: Benign for Occult macular dystrophy. Last evaluated: 2018-01-13. Review status: criteria provided, single submitter. Criteria: ICSL Variant Classification Criteria 13 December 2019. Collection method: clinical testing. Allele origin: germline.
Comment: This variant was observed in the ICSL laboratory as part of a predisposition screen in an ostensibly healthy population. It had not been previously curated by ICSL or reported in the Human Gene Mutation Database (HGMD: prior to June 1st, 2018), and was therefore a candidate for classification through an automated scoring system. Utilizing variant allele frequency, disease prevalence and penetrance estimates, and inheritance mode, an automated score was calculated to assess if this variant is too frequent to cause the disease. Based on the score and internal cut-off values, a variant classified as benign is not then subjected to further curation. The score for this variant resulted in a classification of benign for this disease.

Eurofins Ntd Llc (ga)
Classification: Uncertain significance. Last evaluated: 2013-09-27. Review status: criteria provided, single submitter. Criteria: EGL Classification Definitions 2015. Collection method: clinical testing. Allele origin: germline. Observed: 1 variant allele, 1 heterozygote.

PreventionGenetics, part of Exact Sciences
Classification: Benign for RP1L1-related condition. Last evaluated: 2019-06-18. Review status: no assertion criteria provided. Collection method: clinical testing. Allele origin: germline. Not counted in ClinVar's aggregate classification.
Comment: This variant is classified as benign based on ACMG/AMP sequence variant interpretation guidelines (Richards et al. 2015 PMID: 25741868, with internal and published modifications).

NM_178857.6(RP1L1):c.899C>T (p.Ser300Leu)

Gene: RP1L1 (RP1 like 1). Cytogenetic location: 8p23.1.
Variant type: single nucleotide variant.
Coding change: c.899C>T on transcript NM_178857.6 (MANE Select); coding-DNA position 899, C replaced by T.
Protein change: p.Ser300Leu; replaces serine 300 with leucine.
Molecular consequence: missense variant.
Genome position (GRCh38, 1-based): chr8:10,613,199, G>A on the plus strand (C>T on the coding strand, the complement: RP1L1 is on the minus strand). VCF-style: chr8-10613199-G-A. GRCh37 (hg19) VCF-style: chr8-10470709-G-A.
Other names: short protein forms S300L.
Identifiers: ClinVar variation 96555 (VCV000096555.14), dbSNP rs200642524, ClinGen allele CA4625397.